The following is an entry in ClinVar:

NM_001457.4(FLNB):c.4597C>T (p.Pro1533Ser)

Gene: FLNB (filamin B; plus strand). Cytogenetic location: 3p14.3.
Variant type: single nucleotide variant.
Coding change: c.4597C>T on transcript NM_001457.4 (MANE Select); coding-DNA position 4597, C replaced by T.
Protein change: p.Pro1533Ser; replaces proline 1533 with serine.
Molecular consequence: missense variant.
Genome position (GRCh38, 1-based): chr3:58,134,698, C>T. VCF-style: chr3-58134698-C-T. GRCh37 (hg19) VCF-style: chr3-58120425-C-T.
Other names: c.4690C>T, p.Pro1564Ser (NM_001164317.2); c.4597C>T, p.Pro1533Ser (NM_001164318.2, NM_001164319.2); short protein forms P1564S, P1533S.
Identifiers: ClinVar variation 2784244 (VCV002784244.3), dbSNP rs200618652, ClinGen allele CA75458502.

ClinVar aggregate classification (germline): Uncertain significance (1 of 4 stars; one submission).

Allele frequency attached by ClinVar (database versions not stated): gnomAD 0.00001; gnomAD exomes 0.00001; TOPMed 0.00001; 1000 Genomes Project 30x 0.00016; 1000 Genomes Project 0.00020.
gnomAD v4.1: 12 of 1,614,084 alleles (0.00074%); highest among the groups gnomAD compares: Non-Finnish European, 0.00068%; no homozygotes.

Submission:

Labcorp Genetics (formerly Invitae), Labcorp
Classification: Uncertain significance. Last evaluated: 2023-05-24. Review status: criteria provided, single submitter. Criteria: Invitae Variant Classification Sherloc (09022015). Collection method: clinical testing. Allele origin: germline.
Comment: This variant is present in population databases (rs200618652, gnomAD 0.0009%). This sequence change replaces proline, which is neutral and non-polar, with serine, which is neutral and polar, at codon 1533 of the FLNB protein (p.Pro1533Ser). This variant has not been reported in the literature in individuals affected with FLNB-related conditions. Advanced modeling of protein sequence and biophysical properties (such as structural, functional, and spatial information, amino acid conservation, physicochemical variation, residue mobility, and thermodynamic stability) performed at Invitae indicates that this missense variant is not expected to disrupt FLNB protein function. In summary, the available evidence is currently insufficient to determine the role of this variant in disease. Therefore, it has been classified as a Variant of Uncertain Significance.